The following is an entry in ClinVar:

ClinVar aggregate classification (germline): Uncertain significance (1 of 4 stars; one submission).

Conditions:
BCKDK-related disorder. Also called: BCKDK-related condition.

Allele frequency attached by ClinVar (database versions not stated): gnomAD 0.00001; TOPMed 0.00001; ExAC 0.00002.
gnomAD v4.1: 13 of 1,614,014 alleles (0.00081%); highest among the groups gnomAD compares: Non-Finnish European, 0.00093%; no homozygotes.

Submission:

PreventionGenetics, part of Exact Sciences
Classification: Uncertain significance for BCKDK-related condition. Last evaluated: 2023-03-24. Review status: criteria provided, single submitter. Criteria: ACMG Guidelines, 2015. Collection method: clinical testing. Allele origin: germline.
Comment: The BCKDK c.424-6C>G variant is predicted to interfere with splicing. This variant is predicted to cause a modest decrease in the strength of the neighboring splice acceptor and may alter splicing (Alamut Visual Plus v1.6.1). To our knowledge, this variant has not been reported in the literature. This variant is reported in 0.0018% of alleles in individuals of European (Non-Finnish) descent in gnomAD. At this time, the clinical significance of this variant is uncertain due to the absence of conclusive functional and genetic evidence.

NM_005881.4(BCKDK):c.424-6C>G

Gene: BCKDK (branched chain keto acid dehydrogenase kinase; plus strand). Cytogenetic location: 16p11.2.
Variant type: single nucleotide variant.
Coding change: c.424-6C>G on transcript NM_005881.4 (MANE Select); 6 bases into the intron before coding-DNA position 424, C replaced by G.
Molecular consequence: intron variant.
Genome position (GRCh38, 1-based): chr16:31,110,199, C>G. VCF-style: chr16-31110199-C-G. GRCh37 (hg19) VCF-style: chr16-31121520-C-G.
Other names: c.424-6C>G (NM_001122957.4, NM_001271926.3).
Identifiers: ClinVar variation 2634698 (VCV002634698.1), dbSNP rs765367733, ClinGen allele CA8021571.
Genomic context (GRCh38, chr16:31,110,199, plus strand): 5'-AGAGCAGGGTGAGGGGCTGAGAGGTTGGGCTTGGACCACCCTTCCTCATGACTCTGTGAC[C>G]TGCAGATCAAGGACCAGGCGGACGAGGCCCAGTACTGCCAGCTGGTGCGACAGCTGCTGG-3'